The following is an entry in ClinVar:

ClinVar aggregate classification (germline): Pathogenic (1 of 4 stars; one submission).

Submission:

Labcorp Genetics (formerly Invitae), Labcorp
Classification: Pathogenic. Last evaluated: 2019-11-09. Review status: criteria provided, single submitter. Criteria: Invitae Variant Classification Sherloc (09022015). Collection method: clinical testing. Allele origin: germline.
Comment: For these reasons, this variant has been classified as Pathogenic. Loss-of-function variants in SLC4A11 are known to be pathogenic (PMID: 17220209, 17679935). This variant has not been reported in the literature in individuals with SLC4A11-related conditions. This variant is present in population databases (rs763953036, ExAC 0.002%). This sequence change creates a premature translational stop signal (p.Thr204Serfs*42) in the SLC4A11 gene. It is expected to result in an absent or disrupted protein product.

Literature cited by the submitters: PubMed 17220209; PubMed 17679935.

NM_001174089.2(SLC4A11):c.563_564del (p.Thr188fs)

Gene: SLC4A11 (solute carrier family 4 member 11; minus strand). Cytogenetic location: 20p13.
Variant type: Microsatellite.
Coding change: c.563_564del on transcript NM_001174089.2 (MANE Select); coding-DNA positions 563 to 564, 2 bases deleted (CA; older notation c.563_564delCA).
Protein change: p.Thr188fs; shifts the reading frame from threonine 188.
Molecular consequence: frameshift variant. On other transcripts: non-coding transcript variant (1).
Genome position (GRCh38, 1-based): chr20:3,233,962-3,233,963, TG deleted on the plus strand (CA on the coding strand, the reverse complement: SLC4A11 is on the minus strand); deleting any 2 consecutive bases within chr20:3,233,962-3,233,965 gives the same sequence; the c. name uses the placement nearest the transcript's 3' end. VCF-style (leftmost placement, unchanged base first): chr20-3233961-CTG-C. GRCh37 (hg19) VCF-style: chr20-3214607-CTG-C.
Other names: c.692_693del, p.Thr231fs (NM_001174090.2); c.563_564del, p.Thr188fs (NM_001363745.2); c.611_612del, p.Thr204fs (NM_032034.4); short protein forms T188fs, T204fs, T231fs.
Identifiers: ClinVar variation 968101 (VCV000968101.7), dbSNP rs763953036, ClinGen allele CA9742234.